The following is an entry in ClinVar:

ClinVar aggregate classification (germline): Benign/Likely benign. Review status: criteria provided, multiple submitters, no conflicts (2 of 4 stars). 3 submissions from 3 submitters: Benign (1); Likely benign (2). Last evaluated 2025-05-28.

Conditions:
Renal cell carcinoma. Identifiers: Orphanet 217071, MedGen C0007134, MeSH D002292, MONDO:0005086, HP:0005584.
Papillary renal cell carcinoma type 1 (RCCP1). Also called: Renal adenocarcinoma; Renal cell carcinoma 1; Renal cell carcinoma, somatic; RENAL CELL CARCINOMA, PAPILLARY, 1, SOMATIC. Identifiers: Orphanet 47044, MedGen C1336839, OMIM 605074, HP:0011797.
Hereditary cancer-predisposing syndrome. Also called: Hereditary neoplastic syndrome; Hereditary Cancer Syndrome; Tumor predisposition; Neoplastic Syndromes, Hereditary. Identifiers: Orphanet 140162, MedGen C0027672, MeSH D009386, MONDO:0015356.

Allele frequency attached by ClinVar (database versions not stated): gnomAD exomes below 0.00001.
gnomAD v4.1: 1 of 1,613,992 alleles (0.000062%); highest among the groups gnomAD compares: Non-Finnish European, 0.000085%; no homozygotes.

Submissions (3):

Labcorp Genetics (formerly Invitae), Labcorp
Classification: Likely benign for Renal cell carcinoma. Last evaluated: 2025-05-28. Review status: criteria provided, single submitter. Criteria: Invitae Variant Classification Sherloc (09022015). Collection method: clinical testing. Allele origin: germline.

Myriad Genetics, Inc.
Classification: Benign for Papillary renal cell carcinoma type 1. Last evaluated: 2024-11-11. Review status: criteria provided, single submitter. Criteria: Myriad Autosomal Dominant, Autosomal Recessive and X-Linked Classification Criteria (2023). Collection method: clinical testing. Allele origin: unknown.
Comment: This variant is considered benign. This variant is a silent/synonymous amino acid change and it is not expected to impact splicing.

Ambry Genetics
Classification: Likely benign for Hereditary cancer-predisposing syndrome. Last evaluated: 2024-08-18. Review status: criteria provided, single submitter. Criteria: Ambry Variant Classification Scheme 2023. Collection method: clinical testing. Allele origin: germline.

NM_000245.4(MET):c.2451C>G (p.Thr817=)

Gene: MET (MET proto-oncogene, receptor tyrosine kinase; plus strand). Cytogenetic location: 7q31.2.
Variant type: single nucleotide variant.
Coding change: c.2451C>G on transcript NM_000245.4 (MANE Select); coding-DNA position 2451, C replaced by G.
Protein change: p.Thr817=; no amino-acid change (threonine 817 retained).
Molecular consequence: synonymous variant.
Genome position (GRCh38, 1-based): chr7:116,763,136, C>G. VCF-style: chr7-116763136-C-G. GRCh37 (hg19) VCF-style: chr7-116403190-C-G.
Other names: c.2505C>G (NM_001127500.1); c.2505C>G, p.Thr835= (NM_001127500.3); c.2451C>G, p.Thr817= (NM_001324401.3); c.1161C>G, p.Thr387= (NM_001324402.2).
Identifiers: ClinVar variation 1154915 (VCV001154915.11), dbSNP rs2116955318, ClinGen allele CA457441136.